The following is an entry in ClinVar:

ClinVar aggregate classification (germline): Uncertain significance (1 of 4 stars; one submission).

Conditions:
Dyskeratosis congenita. Identifiers: Orphanet 1775, MedGen C0265965, MONDO:0015780.

Allele frequency attached by ClinVar (database versions not stated): gnomAD 0.00001; TOPMed 0.00001.
gnomAD v4.1: 12 of 1,614,050 alleles (0.00074%); highest among the groups gnomAD compares: Non-Finnish European, 0.001%; no homozygotes.

Submission:

Labcorp Genetics (formerly Invitae), Labcorp
Classification: Uncertain significance for Dyskeratosis congenita. Last evaluated: 2022-08-23. Review status: criteria provided, single submitter. Criteria: Invitae Variant Classification Sherloc (09022015). Collection method: clinical testing. Allele origin: germline.
Comment: In summary, the available evidence is currently insufficient to determine the role of this variant in disease. Therefore, it has been classified as a Variant of Uncertain Significance. Algorithms developed to predict the effect of sequence changes on RNA splicing suggest that this variant may create or strengthen a splice site. Algorithms developed to predict the effect of missense changes on protein structure and function are either unavailable or do not agree on the potential impact of this missense change (SIFT: "Deleterious"; PolyPhen-2: "Benign"; Align-GVGD: "Class C0"). ClinVar contains an entry for this variant (Variation ID: 1514241). This variant has not been reported in the literature in individuals affected with CTC1-related conditions. This variant is not present in population databases (gnomAD no frequency). This sequence change replaces valine, which is neutral and non-polar, with phenylalanine, which is neutral and non-polar, at codon 1134 of the CTC1 protein (p.Val1134Phe).

NM_025099.6(CTC1):c.3400G>T (p.Val1134Phe)

Gene: CTC1 (CST telomere replication complex component 1; minus strand). Cytogenetic location: 17p13.1.
Variant type: single nucleotide variant.
Coding change: c.3400G>T on transcript NM_025099.6 (MANE Select); coding-DNA position 3400, G replaced by T.
Protein change: p.Val1134Phe; replaces valine 1134 with phenylalanine.
Molecular consequence: missense variant. On other transcripts: non-coding transcript variant (1).
Genome position (GRCh38, 1-based): chr17:8,228,617, C>A on the plus strand (G>T on the coding strand, the complement: CTC1 is on the minus strand). VCF-style: chr17-8228617-C-A. GRCh37 (hg19) VCF-style: chr17-8131935-C-A.
Other names: short protein forms V1134F.
Identifiers: ClinVar variation 1514241 (VCV001514241.8), dbSNP rs1446511863, ClinGen allele CA397968884.